The following is an entry in ClinVar:

ClinVar aggregate classification (germline): Uncertain significance (1 of 4 stars; one submission).

Conditions:
Hereditary cancer-predisposing syndrome. Also called: Neoplastic Syndromes, Hereditary; Tumor predisposition; Hereditary neoplastic syndrome; Hereditary Cancer Syndrome. Identifiers: Orphanet 140162, MedGen C0027672, MeSH D009386, MONDO:0015356.

Submission:

Ambry Genetics
Classification: Uncertain significance for Hereditary cancer-predisposing syndrome. Last evaluated: 2019-07-02. Review status: criteria provided, single submitter. Criteria: Ambry Variant Classification Scheme 2023. Collection method: clinical testing. Allele origin: germline.
Comment: The p.Y1682S variant (also known as c.5045A>C), located in coding exon 22 of the DICER1 gene, results from an A to C substitution at nucleotide position 5045. The tyrosine at codon 1682 is replaced by serine, an amino acid with dissimilar properties. This amino acid position is highly conserved in available vertebrate species. In addition, this alteration is predicted to be deleterious by in silico analysis. Since supporting evidence is limited at this time, the clinical significance of this alteration remains unclear.

NM_177438.3(DICER1):c.5045A>C (p.Tyr1682Ser)

Gene: DICER1 (dicer 1, ribonuclease III; minus strand). Cytogenetic location: 14q32.13.
Variant type: single nucleotide variant.
Coding change: c.5045A>C on transcript NM_177438.3 (MANE Select); coding-DNA position 5045, A replaced by C.
Protein change: p.Tyr1682Ser; replaces tyrosine 1682 with serine.
Molecular consequence: missense variant.
Genome position (GRCh38, 1-based): chr14:95,095,875, T>G on the plus strand (A>C on the coding strand, the complement: DICER1 is on the minus strand). VCF-style: chr14-95095875-T-G. GRCh37 (hg19) VCF-style: chr14-95562212-T-G.
Other names: c.5045A>C, p.Tyr1682Ser (NM_001195573.1, NM_001271282.3, NM_001291628.2 and 1 more transcripts); short protein forms Y1682S.
Identifiers: ClinVar variation 825396 (VCV000825396.4), dbSNP rs1595337493, ClinGen allele CA390866023.